The following is an entry in ClinVar:

ClinVar aggregate classification (germline): Conflicting classifications of pathogenicity. Review status: criteria provided, conflicting classifications (1 of 4 stars). 4 submissions from 4 submitters: Uncertain significance (3); Likely benign (1). Last evaluated 2026-07-08.

Conditions:
TTN-related disorder. Also called: TTN-related disorders; TTN-related condition; TTN-related disease.

Allele frequency attached by ClinVar (database versions not stated): ExAC 0.00001; gnomAD exomes 0.00002; gnomAD 0.00003 and 0.00004; TOPMed 0.00004; ESP Exome Variant Server 0.00008.
gnomAD v4.1: 100 of 1,609,806 alleles (0.0062%); highest among the groups gnomAD compares: Non-Finnish European, 0.0072%; no homozygotes.

Submissions (4):

PreventionGenetics, part of Exact Sciences
Classification: Uncertain significance for TTN-related condition. Last evaluated: 2026-07-08. Review status: criteria provided, single submitter. Criteria: ACMG Guidelines, 2015. Collection method: clinical testing. Allele origin: germline.
Comment: The TTN c.65371G>A variant is predicted to result in the amino acid substitution p.Gly21791Ser. This variant has been reported as uncertain in a pediatric individual with hypertrophic cardiomyopathy (Reported as c.57667G>A, p.Gly19223Ser in transcript NM_133378 in Supplemental Table 2, Burstein et al. 2021. PubMed ID: 32746448). This variant is reported in 0.0048% of alleles in individuals of European (Non-Finnish) descent in gnomAD. At this time, the clinical significance of this variant is uncertain due to the absence of conclusive functional and genetic evidence.

CeGaT Center for Human Genetics Tuebingen
Classification: Uncertain significance. Last evaluated: 2026-06-01. Review status: criteria provided, single submitter. Criteria: CeGaT Center For Human Genetics Tuebingen Variant Classification Criteria Version 2. Collection method: clinical testing. Allele origin: germline. Affected: yes. Observed: 2 variant alleles.
Comment: TTN: PM2

GeneDx
Classification: Likely benign. Last evaluated: 2018-09-24. Review status: criteria provided, single submitter. Criteria: GeneDx Variant Classification Process June 2021. Collection method: clinical testing. Allele origin: germline. Affected: yes.

Laboratory for Molecular Medicine, Mass General Brigham Personalized Medicine
Classification: Uncertain significance. Last evaluated: 2014-09-26. Review status: criteria provided, single submitter. Criteria: LMM Criteria. Collection method: clinical testing. Allele origin: germline. Observed: 2 variant alleles.
Comment: This variant has also been identified in 1/8234 Europe an American chromosomes by the NHLBI Exome Sequencing Project (dbSNP rs370878527). Computational prediction tools and conserv ation analysis do not provide strong support for or against an impact to the pro tein. In summary, the clinical significance of the Gly19223Ser variant is uncert ain.

NM_001267550.2(TTN):c.65371G>A (p.Gly21791Ser)

Genes: TTN-AS1 (TTN antisense RNA 1; plus strand), TTN (titin; minus strand). Cytogenetic location: 2q31.2.
Variant type: single nucleotide variant.
Coding change: c.65371G>A on transcript NM_001267550.2 (MANE Select); coding-DNA position 65371, G replaced by A.
Protein change: p.Gly21791Ser; replaces glycine 21791 with serine.
Molecular consequence: missense variant. On other transcripts: non-coding transcript variant (1).
Genome position (GRCh38, 1-based): chr2:178,583,811, C>T on the plus strand (G>A on the coding strand, the complement: TTN is on the minus strand). VCF-style: chr2-178583811-C-T. GRCh37 (hg19) VCF-style: chr2-179448538-C-T.
Other names: c.60448G>A, p.Gly20150Ser (NM_001256850.1); c.38176G>A, p.Gly12726Ser (NM_003319.4); c.38551G>A, p.Gly12851Ser (NM_133432.3); c.38752G>A, p.Gly12918Ser (NM_133437.4); c.57667G>A, p.Gly19223Ser (NM_133378.4); short protein forms G19223S, G21791S, G20150S, G12726S, G12918S, G12851S.
Identifiers: ClinVar variation 165895 (VCV000165895.11), dbSNP rs370878527, ClinGen allele CA178605.